The following is an entry in ClinVar:

ClinVar aggregate classification (germline): Uncertain significance. Review status: criteria provided, multiple submitters, no conflicts (2 of 4 stars). 2 submissions from 2 submitters: Uncertain significance (2). Last evaluated 2025-09-27.

gnomAD v4.1: 21 of 1,179,180 alleles (0.0018%); highest among the groups gnomAD compares: South Asian, 0.028%; no homozygotes.

Submissions (2):

Ambry Genetics
Classification: Uncertain significance. Last evaluated: 2025-09-27. Review status: criteria provided, single submitter. Criteria: Ambry Variant Classification Scheme 2023. Collection method: clinical testing. Allele origin: germline.

Labcorp Genetics (formerly Invitae), Labcorp
Classification: Uncertain significance. Last evaluated: 2024-06-30. Review status: criteria provided, single submitter. Criteria: Invitae Variant Classification Sherloc (09022015). Collection method: clinical testing. Allele origin: germline.
Comment: This sequence change replaces lysine, which is basic and polar, with asparagine, which is neutral and polar, at codon 121 of the DRP2 protein (p.Lys121Asn). This variant is present in population databases (rs778075385, gnomAD 0.04%). This variant has not been reported in the literature in individuals affected with DRP2-related conditions. Advanced modeling of protein sequence and biophysical properties (such as structural, functional, and spatial information, amino acid conservation, physicochemical variation, residue mobility, and thermodynamic stability) performed at Invitae indicates that this missense variant is expected to disrupt DRP2 protein function with a positive predictive value of 80%. In summary, the available evidence is currently insufficient to determine the role of this variant in disease. Therefore, it has been classified as a Variant of Uncertain Significance.

NM_001939.3(DRP2):c.363G>C (p.Lys121Asn)

Gene: DRP2 (dystrophin related protein 2; plus strand). Cytogenetic location: Xq22.1.
Variant type: single nucleotide variant.
Coding change: c.363G>C on transcript NM_001939.3 (MANE Select); coding-DNA position 363, G replaced by C.
Protein change: p.Lys121Asn; replaces lysine 121 with asparagine.
Molecular consequence: missense variant.
Genome position (GRCh38, 1-based): chrX:101,237,700, G>C. VCF-style: chrX-101237700-G-C. GRCh37 (hg19) VCF-style: chrX-100492689-G-C.
Other names: c.129G>C, p.Lys43Asn (NM_001171184.2); c.363G>C (NM_001939.2); short protein forms K121N, K43N.
Identifiers: ClinVar variation 3681138 (VCV003681138.3).